The following is an entry in ClinVar:

ClinVar aggregate classification (germline): Uncertain significance. Review status: criteria provided, multiple submitters, no conflicts (2 of 4 stars). 3 submissions from 3 submitters: Uncertain significance (3). Last evaluated 2023-12-27.

Conditions:
Dyskeratosis congenita, autosomal dominant 2. Identifiers: MedGen C3151443, MONDO:0013521, OMIM 613989.
Idiopathic Pulmonary Fibrosis. Also called: Idiopathic fibrosing alveolitis, chronic form; idiopathic fibrosing alveolitis. Identifiers: Orphanet 2032, MedGen C1800706, MeSH D054990, MONDO:0800504.
Dyskeratosis congenita. Identifiers: Orphanet 1775, MedGen C0265965, MONDO:0015780.

Submissions (3):

Baylor Genetics
Classification: Uncertain significance for Dyskeratosis congenita, autosomal dominant 2. Last evaluated: 2023-12-27. Review status: criteria provided, single submitter. Criteria: ACMG Guidelines, 2015. Collection method: clinical testing. Allele origin: unknown.

Labcorp Genetics (formerly Invitae), Labcorp
Classification: Uncertain significance for Dyskeratosis congenita, autosomal dominant 2; Idiopathic Pulmonary Fibrosis. Last evaluated: 2023-06-28. Review status: criteria provided, single submitter. Criteria: Invitae Variant Classification Sherloc (09022015). Collection method: clinical testing. Allele origin: germline.
Comment: This sequence change replaces alanine, which is neutral and non-polar, with valine, which is neutral and non-polar, at codon 801 of the TERT protein (p.Ala801Val). This variant is not present in population databases (gnomAD no frequency). This variant has not been reported in the literature in individuals affected with TERT-related conditions. Advanced modeling of protein sequence and biophysical properties (such as structural, functional, and spatial information, amino acid conservation, physicochemical variation, residue mobility, and thermodynamic stability) performed at Invitae indicates that this missense variant is expected to disrupt TERT protein function. In summary, the available evidence is currently insufficient to determine the role of this variant in disease. Therefore, it has been classified as a Variant of Uncertain Significance.

Ambry Genetics
Classification: Uncertain significance for Dyskeratosis congenita. Last evaluated: 2023-03-19. Review status: criteria provided, single submitter. Criteria: Ambry Variant Classification Scheme 2023. Collection method: clinical testing. Allele origin: germline.
Comment: The p.A801V variant (also known as c.2402C>T), located in coding exon 8 of the TERT gene, results from a C to T substitution at nucleotide position 2402. The alanine at codon 801 is replaced by valine, an amino acid with similar properties. This amino acid position is conserved. In addition, this alteration is predicted to be tolerated by in silico analysis. Since supporting evidence is limited at this time, the clinical significance of this alteration remains unclear.

NM_198253.3(TERT):c.2402C>T (p.Ala801Val)

Gene: TERT (telomerase reverse transcriptase; minus strand). Cytogenetic location: 5p15.33.
Variant type: single nucleotide variant.
Coding change: c.2402C>T on transcript NM_198253.3 (MANE Select); coding-DNA position 2402, C replaced by T.
Protein change: p.Ala801Val; replaces alanine 801 with valine.
Molecular consequence: missense variant.
Genome position (GRCh38, 1-based): chr5:1,271,185, G>A on the plus strand (C>T on the coding strand, the complement: TERT is on the minus strand). VCF-style: chr5-1271185-G-A. GRCh37 (hg19) VCF-style: chr5-1271300-G-A.
Other names: c.2402C>T, p.Ala801Val (NM_001193376.3, NM_003219.1); short protein forms A801V.
Identifiers: ClinVar variation 2936956 (VCV002936956.5), dbSNP rs1749006590, ClinGen allele CA359075815.